The following is an entry in ClinVar:

ClinVar aggregate classification (germline): Pathogenic. Review status: criteria provided, single submitter (1 of 4 stars). 2 submissions from 2 submitters: Pathogenic (1). 1 of the submissions does not count toward it. Last evaluated 2026-04-14.

Conditions:
Familial intrahepatic cholestasis. Identifiers: Orphanet 284385, MedGen CN296401, MONDO:0017290.
Cholestasis, intrahepatic, of pregnancy, 3. Identifiers: Orphanet 69665, MedGen C3554241, MONDO:0013995, OMIM 614972.

Submissions (2):

Genomenon, Inc
Classification: Pathogenic for Familial intrahepatic cholestasis. Last evaluated: 2026-04-14. Review status: criteria provided, single submitter. Criteria: Genomenon Sequence Variant Interpretation Standards - Updated. Collection method: curation. Allele origin: germline. Affected: yes.
Comment: ABCB4 p.Asn298ThrfsTer10 (c.893del) is a frameshift variant that results in the production of a truncated protein which is predicted to undergo nonsense-mediated mRNA decay. This variant has been observed in at least one proband with an ABCB4-related disorder (PMID:32581362). It is absent or not present at a significant frequency in gnomAD. In conclusion, we classify ABCB4 p.Asn298ThrfsTer10 (c.893del) as a pathogenic variant.

NIHR Bioresource Rare Diseases, University of Cambridge
Classification: Likely pathogenic for Cholestasis, intrahepatic, of pregnancy, 3. Review status: no assertion criteria provided. Collection method: research. Allele origin: unknown. Affected: yes. Observed: 1 variant allele. Not counted in ClinVar's aggregate classification.

Literature cited by the submitters: PubMed 32581362 (cited by Genomenon, Inc and NIHR Bioresource Rare Diseases, University of Cambridge).

NM_000443.4(ABCB4):c.893del (p.Asn298fs)

Gene: ABCB4 (ATP binding cassette subfamily B member 4; minus strand). Cytogenetic location: 7q21.12.
Variant type: Deletion.
Coding change: c.893del on transcript NM_000443.4 (MANE Select); coding-DNA position 893, one base deleted (A; older notation c.893delA).
Protein change: p.Asn298fs; shifts the reading frame from asparagine 298.
Molecular consequence: frameshift variant.
Genome position (GRCh38, 1-based): chr7:87,447,146, T deleted on the plus strand (A on the coding strand, the reverse complement: ABCB4 is on the minus strand); the first of 3 consecutive T bases (chr7:87,447,146-87,447,148); deleting any one gives the same sequence. VCF-style (leftmost placement, unchanged base first): chr7-87447145-GT-G. GRCh37 (hg19) VCF-style: chr7-87076461-GT-G.
Other names: c.893del, p.Asn298fs (NM_018850.3, NM_018849.3); short protein forms N298fs.
Identifiers: ClinVar variation 812751 (VCV000812751.3), dbSNP rs1584754766, ClinGen allele CA915945330.
Genomic context (GRCh38, chr7:87,447,145, plus strand): 5'-ATACCAGAAGGCCAGTGCATATGATGCATATATTAACAGGAAGGCAATACCCATGGAAAT[GT>G]TTGCTGAAATAGCTTTTTTAATTCCAATCTCTTTGGCATTTTCTAAATGTTTCTGATACC-3'